The following is an entry in ClinVar:

ClinVar aggregate classification (germline): Conflicting classifications of pathogenicity. Review status: criteria provided, conflicting classifications (1 of 4 stars). 10 submissions from 10 submitters: Uncertain significance (2); Benign (1); Likely benign (3). 4 of the submissions do not count toward it. Last evaluated 2026-02-03.

Conditions:
Carcinoma of colon (CRC). Also called: Colonic carcinoma; Colon carcinoma. Identifiers: MedGen C0699790, MONDO:0002032.
Hereditary cancer-predisposing syndrome. Also called: Tumor predisposition; Hereditary Cancer Syndrome; Neoplastic Syndromes, Hereditary; Hereditary neoplastic syndrome. Identifiers: Orphanet 140162, MedGen C0027672, MeSH D009386, MONDO:0015356.
POLD1-related polyposis and colorectal cancer syndrome (CRCS10). Also called: Colorectal cancer 10; COLORECTAL CANCER, SUSCEPTIBILITY TO, ON CHROMOSOME 19q; Colorectal cancer, susceptibility to, 10. Identifiers: Orphanet 220460, MedGen C2675481, MONDO:0012953, OMIM 612591.
POLD1-related disorder. Also called: POLD1-related condition; POLD1-related disorders.

Allele frequency attached by ClinVar (database versions not stated): gnomAD 0.00013 and 0.00017; TOPMed 0.00016; ExAC 0.00025; gnomAD exomes 0.00025; 1000 Genomes Project 0.00060; 1000 Genomes Project 30x 0.00062.
gnomAD v4.1: 160 of 1,613,860 alleles (0.0099%); highest among the groups gnomAD compares: East Asian, 0.2%; no homozygotes.

Submissions (10):

Labcorp Genetics (formerly Invitae), Labcorp
Classification: Likely benign for POLD1-related polyposis and colorectal cancer syndrome. Last evaluated: 2026-02-03. Review status: criteria provided, single submitter. Criteria: Invitae Variant Classification Sherloc (09022015). Collection method: clinical testing. Allele origin: germline.

Center for Genomic Medicine, Rigshospitalet, Copenhagen University Hospital
Classification: Uncertain significance. Last evaluated: 2025-03-04. Review status: criteria provided, single submitter. Criteria: ACMG Guidelines, 2015. Collection method: clinical testing. Allele origin: germline.

Women's Health and Genetics/Laboratory Corporation of America, LabCorp
Classification: Likely benign. Last evaluated: 2021-10-20. Review status: criteria provided, single submitter. Criteria: LabCorp Variant Classification Summary - May 2015. Collection method: clinical testing. Allele origin: germline.

Quest Diagnostics Nichols Institute San Juan Capistrano
Classification: Benign. Last evaluated: 2018-12-29. Review status: criteria provided, single submitter. Criteria: Quest Diagnostics criteria. Collection method: clinical testing. Allele origin: germline.

GeneDx
Classification: Uncertain significance. Last evaluated: 2017-12-04. Review status: criteria provided, single submitter. Criteria: GeneDx Variant Classification (06012015). Collection method: clinical testing. Allele origin: germline. Affected: yes.
Comment: This variant is denoted POLD1 c.371T>C at the cDNA level, p.Val124Ala (V124A) at the protein level, and results in the change of a Valine to an Alanine (GTG>GCG). This variant has not, to our knowledge, been published in the literature as a germline variant; however, it has been reported as a somatic variant in a lung tumor (Jiang 2016). POLD1 Val124Ala was observed at an allele frequency of 0.3% (56/18,862) in individuals of East Asian ancestry in large population cohorts (Lek 2016). This variant is not located in a known functional domain. In silico analyses, including protein predictors and evolutionary conservation, support a deleterious effect. Based on currently available evidence, it is unclear whether POLD1 Val124Ala is a pathogenic or benign variant. We consider it to be a variant of uncertain significance.

Ambry Genetics
Classification: Likely benign for Hereditary cancer-predisposing syndrome. Last evaluated: 2015-06-28. Review status: criteria provided, single submitter. Criteria: Ambry Variant Classification Scheme 2023. Collection method: clinical testing. Allele origin: germline.

PreventionGenetics, part of Exact Sciences
Classification: Likely benign for POLD1-related condition. Last evaluated: 2019-05-16. Review status: no assertion criteria provided. Collection method: clinical testing. Allele origin: germline. Not counted in ClinVar's aggregate classification.
Comment: This variant is classified as likely benign based on ACMG/AMP sequence variant interpretation guidelines (Richards et al. 2015 PMID: 25741868, with internal and published modifications).

Clinical Genetics DNA and cytogenetics Diagnostics Lab, Erasmus MC, Erasmus Medical Center
Classification: Likely benign. Review status: no assertion criteria provided. Collection method: clinical testing. Allele origin: germline. Affected: yes. Study: VKGL Data-share Consensus. Not counted in ClinVar's aggregate classification.

Clinical Genetics, Academic Medical Center
Classification: Likely benign. Review status: no assertion criteria provided. Collection method: clinical testing. Allele origin: germline. Affected: yes. Study: VKGL Data-share Consensus. Not counted in ClinVar's aggregate classification.

Department of Pathology and Laboratory Medicine, Sinai Health System
Classification: Uncertain significance for Carcinoma of colon. Review status: no assertion criteria provided. Collection method: clinical testing. Allele origin: unknown. Affected: yes. Study: The Canadian Open Genetics Repository (COGR). Not counted in ClinVar's aggregate classification.
Comment: The POLD1 p.Val124Ala variant was not identified in the literature. The variant was identified in dbSNP (ID: rs199993010) as "With other allele", and in ClinVar (classified as likely benign by Invitae, Ambry Genetics and one clinical laboratory; as uncertain significance by GeneDx).The variant was identified in control databases in 63 of 276530 chromosomes at a frequency of 0.0002 increasing the likelihood this could be a low frequency benign variant (Genome Aggregation Database Feb 27, 2017). The variant was observed in the following populations: African in 1 of 23974 chromosomes (freq: 0.00004), East Asian in 56 of 18862 chromosomes (freq: 0.003), and South Asian in 6 of 30780 chromosomes (freq: 0.0002), while the variant was not observed in the Other, Latino, European, Ashkenazi Jewish, and Finnish populations. The p.Val124 residue is not conserved in mammals and computational analyses (PolyPhen-2, SIFT, AlignGVGD, BLOSUM, MutationTaster) do not suggest a high likelihood of impact to the protein; however, this information is not predictive enough to rule out pathogenicity. The variant occurs outside of the splicing consensus sequence and in silico or computational prediction software programs (SpliceSiteFinder, MaxEntScan, NNSPLICE, GeneSplicer) do not predict a difference in splicing. In summary, based on the above information the clinical significance of this variant cannot be determined with certainty at this time. This variant is classified as a variant of uncertain significance.

NM_002691.4(POLD1):c.371T>C (p.Val124Ala)

Gene: POLD1 (DNA polymerase delta 1, catalytic subunit; plus strand). Cytogenetic location: 19q13.33.
Variant type: single nucleotide variant.
Coding change: c.371T>C on transcript NM_002691.4 (MANE Select); coding-DNA position 371, T replaced by C.
Protein change: p.Val124Ala; replaces valine 124 with alanine.
Molecular consequence: missense variant. On other transcripts: non-coding transcript variant (1).
Genome position (GRCh38, 1-based): chr19:50,401,832, T>C. VCF-style: chr19-50401832-T-C. GRCh37 (hg19) VCF-style: chr19-50905089-T-C.
Other names: c.371T>C, p.Val124Ala (NM_001256849.1, NM_001308632.1); short protein forms V124A.
Identifiers: ClinVar variation 220970 (VCV000220970.28), dbSNP rs199993010, ClinGen allele CA350480.
Genomic context (GRCh38, chr19:50,401,832, plus strand): 5'-CCACAGGCCCAGCGCAGCCTGTGCCTGGGGGGCCCCCACCATCCCGCGGCTCCGTGCCTG[T>C]GCTCCGCGCCTTCGGGGTCACCGATGAGGGGTTCTCTGTCTGCTGCCACATCCACGGCTT-3'
Protein context (NP_002682.2, residues 114-134): GPPPSRGSVP[Val124Ala]LRAFGVTDEG